The following is an entry in ClinVar:

ClinVar aggregate classification (germline): Pathogenic (1 of 4 stars; one submission).

gnomAD v4.1: 1 of 1,612,240 alleles (0.000062%); highest among the groups gnomAD compares: Admixed American, 0.0017%; no homozygotes.

Submission:

Labcorp Genetics (formerly Invitae), Labcorp
Classification: Pathogenic. Last evaluated: 2024-07-27. Review status: criteria provided, single submitter. Criteria: Invitae Variant Classification Sherloc (09022015). Collection method: clinical testing. Allele origin: germline.
Comment: This sequence change creates a premature translational stop signal (p.Arg537*) in the GRHL2 gene. It is expected to result in an absent or disrupted protein product. Loss-of-function variants in GRHL2 are known to be pathogenic (PMID: 12393799, 27911912). This variant is present in population databases (no rsID available, gnomAD 0.003%). This variant has not been reported in the literature in individuals affected with GRHL2-related conditions. Algorithms developed to predict the effect of sequence changes on RNA splicing suggest that this variant may create or strengthen a splice site. For these reasons, this variant has been classified as Pathogenic.

Literature cited by the submitters: PubMed 12393799; PubMed 27911912.

NM_024915.4(GRHL2):c.1609C>T (p.Arg537Ter)

Genes: GRHL2 (grainyhead like transcription factor 2; plus strand), LOC126860461 (CDK7 strongly-dependent group 2 enhancer GRCh37_chr8:102655529-102656728; plus strand). Cytogenetic location: 8q22.3.
Variant type: single nucleotide variant.
Coding change: c.1609C>T on transcript NM_024915.4 (MANE Select); coding-DNA position 1609, C replaced by T.
Protein change: p.Arg537Ter; replaces arginine 537 with a stop codon.
Molecular consequence: nonsense.
Genome position (GRCh38, 1-based): chr8:101,644,222, C>T. VCF-style: chr8-101644222-C-T. GRCh37 (hg19) VCF-style: chr8-102656450-C-T.
Other names: c.1561C>T, p.Arg521Ter (NM_001330593.2); short protein forms R521*, R537*.
Identifiers: ClinVar variation 3702148 (VCV003702148.2).